The following is an entry in ClinVar:

NM_015231.3(NUP160):c.3644A>G (p.Lys1215Arg)

Gene: NUP160 (nucleoporin 160; minus strand). Cytogenetic location: 11p11.2.
Variant type: single nucleotide variant.
Coding change: c.3644A>G on transcript NM_015231.3 (MANE Select); coding-DNA position 3644, A replaced by G.
Protein change: p.Lys1215Arg; replaces lysine 1215 with arginine.
Molecular consequence: missense variant. On other transcripts: non-coding transcript variant (1).
Genome position (GRCh38, 1-based): chr11:47,788,182, T>C on the plus strand (A>G on the coding strand, the complement: NUP160 is on the minus strand). VCF-style: chr11-47788182-T-C. GRCh37 (hg19) VCF-style: chr11-47809734-T-C.
Other names: short protein forms K1215R.
Identifiers: ClinVar variation 3408669 (VCV003408669.1).
Genomic context (GRCh38, chr11:47,788,182, plus strand): 5'-GAGCAAGAGGATAATATATTTGCATTAGAAAAGACTATAAAAAAATAATTTTATACATAC[T>C]TGAAGGCAAGCCCTTCAAAGACTGGCGTTAAGGGAAGCTTAAAAGTCTGACAGAGTGATA-3'
Protein context (NP_056046.2, residues 1205-1225): LTPVFEGLAF[Lys1215Arg]CIKLQFGGEA

ClinVar aggregate classification (germline): Uncertain significance (1 of 4 stars; one submission).

gnomAD v4.1: 19 of 1,611,188 alleles (0.0012%); highest among the groups gnomAD compares: South Asian, 0.02%; 1 homozygote.

Submission:

Ambry Genetics
Classification: Uncertain significance. Last evaluated: 2024-09-20. Review status: criteria provided, single submitter. Criteria: Ambry Variant Classification Scheme 2023. Collection method: clinical testing. Allele origin: germline.
Comment: Does not currently meet published gene-disease clinical validity criteria Based on insufficient or conflicting evidence, the clinical significance of this alteration remains unclear.

Literature cited by the submitters: PubMed 28106320.